The following is an entry in ClinVar:

NM_000238.4(KCNH2):c.1837A>C (p.Thr613Pro)

Gene: KCNH2 (potassium voltage-gated channel subfamily H member 2; minus strand). Cytogenetic location: 7q36.1.
Variant type: single nucleotide variant.
Coding change: c.1837A>C on transcript NM_000238.4 (MANE Select); coding-DNA position 1837, A replaced by C.
Protein change: p.Thr613Pro; replaces threonine 613 with proline.
Molecular consequence: missense variant. On other transcripts: non-coding transcript variant (2).
Genome position (GRCh38, 1-based): chr7:150,951,556, T>G on the plus strand (A>C on the coding strand, the complement: KCNH2 is on the minus strand). VCF-style: chr7-150951556-T-G. GRCh37 (hg19) VCF-style: chr7-150648644-T-G.
Other names: c.817A>C, p.Thr273Pro (NM_001204798.2, NM_172057.3); c.1549A>C, p.Thr517Pro (NM_001406753.1, NM_001406756.1); c.1660A>C, p.Thr554Pro (NM_001406755.1); c.1537A>C, p.Thr513Pro (NM_001406757.1); c.1837A>C, p.Thr613Pro (NM_172056.3); short protein forms T513P, T517P, T613P, T273P, T554P.
Identifiers: ClinVar variation 4721768 (VCV004721768.1).
Genomic context (GRCh38, chr7:150,951,556, plus strand): 5'-TGGGAGAGACGTTGCCGAAGCCCACACTGGTGAGGCTGCTGAAGGTGAAGTAGAGCGCCG[T>G]CACATACTTGTCCTTGATGGAGGGGCCGCCCAGGCCGCTGCTGTTGTAGGGTTTGCCTAT-3'
Protein context (NP_000229.1, residues 603-623): GGPSIKDKYV[Thr613Pro]ALYFTFSSLT

ClinVar aggregate classification (germline): Uncertain significance (1 of 4 stars; one submission).

Conditions:
Long QT syndrome (LQTS). Identifiers: MedGen C0023976, MeSH D008133, MONDO:0002442. Disease mechanism: loss of function. Inheritance: Various modes of inheritance.

Submission:

Labcorp Genetics (formerly Invitae), Labcorp
Classification: Uncertain significance for Long QT syndrome. Last evaluated: 2025-08-05. Review status: criteria provided, single submitter. Criteria: Invitae Variant Classification Sherloc (09022015). Collection method: clinical testing. Allele origin: germline.
Comment: This sequence change replaces threonine, which is neutral and polar, with proline, which is neutral and non-polar, at codon 613 of the KCNH2 protein (p.Thr613Pro). This variant is not present in population databases (gnomAD no frequency). This variant has not been reported in the literature in individuals affected with KCNH2-related conditions. An algorithm developed to predict the effect of missense changes on protein structure and function (PolyPhen-2) suggests that this variant is likely to be disruptive. This variant disrupts the p.Thr613 amino acid residue in KCNH2. Other variant(s) that disrupt this residue have been determined to be pathogenic (PMID: 10220144, 10862094, 10973849, 19731233, 22402334, 22949429). This suggests that this residue is clinically significant, and that variants that disrupt this residue are likely to be disease-causing. In summary, the available evidence is currently insufficient to determine the role of this variant in disease. Therefore, it has been classified as a Variant of Uncertain Significance.

Literature cited by the submitters: PubMed 10220144; PubMed 10862094; PubMed 10973849; PubMed 19731233; PubMed 22402334; PubMed 22949429.